The following is an entry in ClinVar:

NM_001354483.2(CSGALNACT1):c.789C>A (p.Ile263=)

Gene: CSGALNACT1 (chondroitin sulfate N-acetylgalactosaminyltransferase 1; minus strand). Cytogenetic location: 8p21.3.
Variant type: single nucleotide variant.
Coding change: c.789C>A on transcript NM_001354483.2 (MANE Select); coding-DNA position 789, C replaced by A.
Protein change: p.Ile263=; no amino-acid change (isoleucine 263 retained).
Molecular consequence: synonymous variant. On other transcripts: non-coding transcript variant (7).
Genome position (GRCh38, 1-based): chr8:19,458,488, G>T on the plus strand (C>A on the coding strand, the complement: CSGALNACT1 is on the minus strand). VCF-style: chr8-19458488-G-T. GRCh37 (hg19) VCF-style: chr8-19315999-G-T.
Other names: c.789C>A (NM_001130518.1); c.789C>A, p.Ile263= (NM_001130518.2, NM_001354475.2, NM_001354476.2 and 18 more transcripts).
Identifiers: ClinVar variation 1614827 (VCV001614827.10), dbSNP rs199793347, ClinGen allele CA4654114.

ClinVar aggregate classification (germline): Likely benign. Review status: criteria provided, single submitter (1 of 4 stars). 2 submissions from 2 submitters: Likely benign (1). 1 of the submissions does not count toward it. Last evaluated 2025-11-01.

Conditions:
CSGALNACT1-related disorder. Also called: CSGALNACT1-related condition.

Allele frequency attached by ClinVar (database versions not stated): ESP Exome Variant Server 0.00008; gnomAD 0.00031 and 0.00033; ExAC 0.00032; gnomAD exomes 0.00034; TOPMed 0.00037; 1000 Genomes Project 0.00060; 1000 Genomes Project 30x 0.00062.
gnomAD v4.1: 474 of 1,614,204 alleles (0.029%); highest among the groups gnomAD compares: Middle Eastern, 0.066%; 1 homozygote.

Submissions (2):

Labcorp Genetics (formerly Invitae), Labcorp
Classification: Likely benign. Last evaluated: 2025-11-01. Review status: criteria provided, single submitter. Criteria: Invitae Variant Classification Sherloc (09022015). Collection method: clinical testing. Allele origin: germline.

PreventionGenetics, part of Exact Sciences
Classification: Likely benign for CSGALNACT1-related condition. Last evaluated: 2024-01-30. Review status: no assertion criteria provided. Collection method: clinical testing. Allele origin: germline. Not counted in ClinVar's aggregate classification.
Comment: This variant is classified as likely benign based on ACMG/AMP sequence variant interpretation guidelines (Richards et al. 2015 PMID: 25741868, with internal and published modifications).